The following is an entry in ClinVar:

NM_001142800.2(EYS):c.57A>G (p.Ile19Met)

Gene: EYS (EGF-like photoreceptor maintenance factor; minus strand). Cytogenetic location: 6q12.
Variant type: single nucleotide variant.
Coding change: c.57A>G on transcript NM_001142800.2 (MANE Select); coding-DNA position 57, A replaced by G.
Protein change: p.Ile19Met; replaces isoleucine 19 with methionine.
Molecular consequence: missense variant.
Genome position (GRCh38, 1-based): chr6:65,495,354, T>C on the plus strand (A>G on the coding strand, the complement: EYS is on the minus strand). VCF-style: chr6-65495354-T-C. GRCh37 (hg19) VCF-style: chr6-66205247-T-C.
Other names: c.57A>G, p.Ile19Met (NM_001142801.2, NM_001292009.2, NM_198283.2); short protein forms I19M.
Identifiers: ClinVar variation 991152 (VCV000991152.5), dbSNP rs751094898, ClinGen allele CA3878139.
Genomic context (GRCh38, chr6:65,495,354, plus strand): 5'-ATATGATGAGGGTTGTGGATGCCATTCTTCCACCAATTGCCGTCTACATGTTTTTCCATT[T>C]ATGAAAGAGCTGTGAAAAACCATCAGGCTCAGAATGACGATTGATTTGTCAGTCATTTTC-3'
Protein context (NP_001136272.1, residues 9-29): LSLMVFHSSF[Ile19Met]NGKTCRRQLV

ClinVar aggregate classification (germline): Uncertain significance. Review status: criteria provided, single submitter (1 of 4 stars). 2 submissions from 2 submitters: Uncertain significance (1). 1 of the submissions does not count toward it. Last evaluated 2025-01-06.

Conditions:
Autosomal recessive retinitis pigmentosa. Identifiers: MedGen C0339526.

Allele frequency attached by ClinVar (database versions not stated): gnomAD exomes below 0.00001 and 0.00001; TOPMed below 0.00001; ExAC 0.00001.
gnomAD v4.1: 7 of 1,613,628 alleles (0.00043%); highest among the groups gnomAD compares: Non-Finnish European, 0.00051%; no homozygotes.

Submissions (2):

Labcorp Genetics (formerly Invitae), Labcorp
Classification: Uncertain significance. Last evaluated: 2025-01-06. Review status: criteria provided, single submitter. Criteria: Invitae Variant Classification Sherloc (09022015). Collection method: clinical testing. Allele origin: germline.
Comment: This sequence change replaces isoleucine, which is neutral and non-polar, with methionine, which is neutral and non-polar, at codon 19 of the EYS protein (p.Ile19Met). This variant is present in population databases (rs751094898, gnomAD 0.0009%). This missense change has been observed in individual(s) with retinal disease (PMID: 38927702). ClinVar contains an entry for this variant (Variation ID: 991152). Invitae Evidence Modeling of protein sequence and biophysical properties (such as structural, functional, and spatial information, amino acid conservation, physicochemical variation, residue mobility, and thermodynamic stability) indicates that this missense variant is not expected to disrupt EYS protein function with a negative predictive value of 80%. In summary, the available evidence is currently insufficient to determine the role of this variant in disease. Therefore, it has been classified as a Variant of Uncertain Significance.

Natera, Inc.
Classification: Uncertain significance for Autosomal recessive retinitis pigmentosa. Last evaluated: 2020-10-13. Review status: no assertion criteria provided. Collection method: clinical testing. Allele origin: germline. Not counted in ClinVar's aggregate classification.

Literature cited by the submitters: PubMed 38927702 (cited by Labcorp Genetics (formerly Invitae), Labcorp).